The following is an entry in ClinVar:

NM_006096.4(NDRG1):c.140C>T (p.Thr47Met)

Gene: NDRG1 (N-myc downstream regulated 1; minus strand). Cytogenetic location: 8q24.22.
Variant type: single nucleotide variant.
Coding change: c.140C>T on transcript NM_006096.4 (MANE Select); coding-DNA position 140, C replaced by T.
Protein change: p.Thr47Met; replaces threonine 47 with methionine.
Molecular consequence: missense variant. On other transcripts: 5 prime UTR variant (2), intron variant (1).
Genome position (GRCh38, 1-based): chr8:133,264,612, G>A on the plus strand (C>T on the coding strand, the complement: NDRG1 is on the minus strand). VCF-style: chr8-133264612-G-A. GRCh37 (hg19) VCF-style: chr8-134276855-G-A.
Other names: c.140C>T, p.Thr47Met (NM_001135242.2, NM_001374844.1, NM_001374845.1 and 1 more transcripts); c.-59C>T (NM_001258432.2, NM_001374847.1); c.-38-2445C>T (NM_001258433.2); short protein forms T47M.
Identifiers: ClinVar variation 966637 (VCV000966637.8), dbSNP rs756570592, ClinGen allele CA4886874.

ClinVar aggregate classification (germline): Uncertain significance. Review status: criteria provided, multiple submitters, no conflicts (2 of 4 stars). 3 submissions from 3 submitters: Uncertain significance (2). 1 of the submissions does not count toward it. Last evaluated 2022-08-29.

Conditions:
Inborn genetic diseases. Identifiers: MedGen C0950123, MeSH D030342.
Charcot-Marie-Tooth disease type 4. Also called: Charcot-Marie-Tooth disease, type IV; Charcot-Marie-Tooth, Type 4. Identifiers: Orphanet 64749, MedGen C4082197, MONDO:0018995.
Charcot-Marie-Tooth disease type 4D. Also called: CHARCOT-MARIE-TOOTH DISEASE, DEMYELINATING, TYPE 4D; NEUROPATHY, HEREDITARY MOTOR AND SENSORY, LOM TYPE; CHARCOT-MARIE-TOOTH DISEASE, DEMYELINATING, AUTOSOMAL RECESSIVE, TYPE 4D; Charcot-Marie-Tooth Neuropathy Type 4D. Identifiers: Orphanet 99950, MedGen C1832334, MONDO:0011085, OMIM 601455.

Allele frequency attached by ClinVar (database versions not stated): TOPMed below 0.00001; ExAC 0.00001; gnomAD 0.00001; gnomAD exomes 0.00001.

Submissions (3):

Ambry Genetics
Classification: Uncertain significance for Inborn genetic diseases. Last evaluated: 2022-08-29. Review status: criteria provided, single submitter. Criteria: Ambry Variant Classification Scheme 2023. Collection method: clinical testing. Allele origin: germline.
Comment: The p.T47M variant (also known as c.140C>T), located in coding exon 3 of the NDRG1 gene, results from a C to T substitution at nucleotide position 140. The threonine at codon 47 is replaced by methionine, an amino acid with similar properties. This amino acid position is conserved. In addition, the in silico prediction for this alteration is inconclusive. Since supporting evidence is limited at this time, the clinical significance of this alteration remains unclear.

Labcorp Genetics (formerly Invitae), Labcorp
Classification: Uncertain significance for Charcot-Marie-Tooth disease type 4. Last evaluated: 2022-07-26. Review status: criteria provided, single submitter. Criteria: Invitae Variant Classification Sherloc (09022015). Collection method: clinical testing. Allele origin: germline.
Comment: This sequence change replaces threonine, which is neutral and polar, with methionine, which is neutral and non-polar, at codon 47 of the NDRG1 protein (p.Thr47Met). This variant is present in population databases (rs756570592, gnomAD 0.003%). This variant has not been reported in the literature in individuals affected with NDRG1-related conditions. ClinVar contains an entry for this variant (Variation ID: 966637). Algorithms developed to predict the effect of missense changes on protein structure and function are either unavailable or do not agree on the potential impact of this missense change (SIFT: "Deleterious"; PolyPhen-2: "Probably Damaging"; Align-GVGD: "Class C0"). In summary, the available evidence is currently insufficient to determine the role of this variant in disease. Therefore, it has been classified as a Variant of Uncertain Significance.

Natera, Inc.
Classification: Uncertain significance for Charcot-Marie-Tooth disease type 4D. Last evaluated: 2020-07-21. Review status: no assertion criteria provided. Collection method: clinical testing. Allele origin: germline. Not counted in ClinVar's aggregate classification.